The following is an entry in ClinVar:

ClinVar aggregate classification (germline): Uncertain significance (1 of 4 stars; one submission).

Allele frequency attached by ClinVar (database versions not stated): gnomAD exomes below 0.00001.
gnomAD v4.1: 1 of 1,612,920 alleles (0.000062%); highest among the groups gnomAD compares: Admixed American, 0.0017%; no homozygotes.

Submission:

Labcorp Genetics (formerly Invitae), Labcorp
Classification: Uncertain significance. Last evaluated: 2022-07-31. Review status: criteria provided, single submitter. Criteria: Invitae Variant Classification Sherloc (09022015). Collection method: clinical testing. Allele origin: germline.
Comment: The frequency data for this variant in the population databases is considered unreliable, as metrics indicate poor data quality at this position in the gnomAD database. In summary, the available evidence is currently insufficient to determine the role of this variant in disease. Therefore, it has been classified as a Variant of Uncertain Significance. Algorithms developed to predict the effect of sequence changes on RNA splicing suggest that this variant may create or strengthen a splice site. Algorithms developed to predict the effect of missense changes on protein structure and function (SIFT, PolyPhen-2, Align-GVGD) all suggest that this variant is likely to be tolerated. ClinVar contains an entry for this variant (Variation ID: 577976). This variant has not been reported in the literature in individuals affected with POLE-related conditions. This sequence change replaces alanine, which is neutral and non-polar, with valine, which is neutral and non-polar, at codon 1764 of the POLE protein (p.Ala1764Val).

NM_006231.4(POLE):c.5291C>T (p.Ala1764Val)

Gene: POLE (DNA polymerase epsilon, catalytic subunit; minus strand). Cytogenetic location: 12q24.33.
Variant type: single nucleotide variant.
Coding change: c.5291C>T on transcript NM_006231.4 (MANE Select); coding-DNA position 5291, C replaced by T.
Protein change: p.Ala1764Val; replaces alanine 1764 with valine.
Molecular consequence: missense variant.
Genome position (GRCh38, 1-based): chr12:132,641,734, G>A on the plus strand (C>T on the coding strand, the complement: POLE is on the minus strand). VCF-style: chr12-132641734-G-A. GRCh37 (hg19) VCF-style: chr12-133218320-G-A.
Other names: short protein forms A1764V.
Identifiers: ClinVar variation 577976 (VCV000577976.9), dbSNP rs1285538355, ClinGen allele CA387376112.